The following is an entry in ClinVar:

ClinVar aggregate classification (germline): Benign/Likely benign. Review status: criteria provided, multiple submitters, no conflicts (2 of 4 stars). 3 submissions from 3 submitters: Benign (1); Likely benign (1). 1 of the submissions does not count toward it. Last evaluated 2024-08-28.

Conditions:
SYNE2-related disorder. Also called: SYNE2-related condition.

Allele frequency attached by ClinVar (database versions not stated): gnomAD exomes 0.00015 and 0.00026; ExAC 0.00023; ESP Exome Variant Server 0.00042; gnomAD 0.00074 and 0.00079; 1000 Genomes Project 0.00080; TOPMed 0.00090; 1000 Genomes Project 30x 0.00094.
gnomAD v4.1: 333 of 1,614,084 alleles (0.021%); highest among the groups gnomAD compares: African/African-American, 0.18%; 1 homozygote.

Submissions (4):

Blueprint Genetics
Classification: Likely benign. Last evaluated: 2024-08-28. Review status: criteria provided, single submitter. Criteria: ACMG Guidelines, 2015. Collection method: clinical testing. Allele origin: germline.

Athena Diagnostics
Classification: Benign. Last evaluated: 2019-12-19. Review status: criteria provided, single submitter. Criteria: Athena Diagnostics Criteria. Collection method: clinical testing. Allele origin: unknown.

PreventionGenetics, part of Exact Sciences
Classification: Likely benign for SYNE2-related condition. Last evaluated: 2019-03-25. Review status: no assertion criteria provided. Collection method: clinical testing. Allele origin: germline. Not counted in ClinVar's aggregate classification.
Comment: This variant is classified as likely benign based on ACMG/AMP sequence variant interpretation guidelines (Richards et al. 2015 PMID: 25741868, with internal and published modifications).

Dr. Peter K. Rogan Lab, Western University
No classification provided (evidence only). Condition: Lung cancer. Review status: no classification provided. Collection method: in vitro. Allele origin: not applicable. Functional consequence: retained intron. Not counted in ClinVar's aggregate classification.

NM_182914.3(SYNE2):c.8403C>T (p.Gly2801=)

Gene: SYNE2 (spectrin repeat containing nuclear envelope protein 2; plus strand). Cytogenetic location: 14q23.2.
Variant type: single nucleotide variant.
Coding change: c.8403C>T on transcript NM_182914.3 (MANE Select); coding-DNA position 8403, C replaced by T.
Protein change: p.Gly2801=; no amino-acid change (glycine 2801 retained).
Molecular consequence: synonymous variant.
Genome position (GRCh38, 1-based): chr14:64,052,316, C>T. VCF-style: chr14-64052316-C-T. GRCh37 (hg19) VCF-style: chr14-64519034-C-T.
Other names: NC_000014.8:g.64519034C>T; c.8403C>T, p.Gly2801= (NM_015180.6).
Identifiers: ClinVar variation 994814 (VCV000994814.5), dbSNP rs189676726, ClinGen allele CA7221100.